The following is an entry in ClinVar:

ClinVar aggregate classification (germline): Uncertain significance. Review status: criteria provided, multiple submitters, no conflicts (2 of 4 stars). 2 submissions from 2 submitters: Uncertain significance (2). Last evaluated 2024-01-31.

Conditions:
Fraser syndrome 1 (FRASRS1). Also called: CRYPTOPHTHALMOS WITH OTHER MALFORMATIONS. Identifiers: Orphanet 2052, MedGen C4551480, MONDO:0054737, OMIM 219000.

Allele frequency attached by ClinVar (database versions not stated): ExAC 0.00004.
gnomAD v4.1: 48 of 1,568,624 alleles (0.0031%); highest among the groups gnomAD compares: South Asian, 0.0049%; no homozygotes.

Submissions (2):

Fulgent Genetics
Classification: Uncertain significance for Fraser syndrome 1. Last evaluated: 2024-01-31. Review status: criteria provided, single submitter. Criteria: ACMG Guidelines, 2015. Collection method: clinical testing. Allele origin: germline.

Women's Health and Genetics/Laboratory Corporation of America, LabCorp
Classification: Uncertain significance. Last evaluated: 2022-11-25. Review status: criteria provided, single submitter. Criteria: LabCorp Variant Classification Summary - May 2015. Collection method: clinical testing. Allele origin: germline.
Comment: Variant summary: FRAS1 c.1099C>T (p.Arg367Cys) results in a non-conservative amino acid change located in the VWFC domain of the encoded protein sequence. Four of five in-silico tools predict a damaging effect of the variant on protein function. The variant allele was found at a frequency of 1.9e-05 in 209864 control chromosomes. c.1099C>T has been reported in the literature in one individual affected with intellectual disability. These data indicate that the variant may be associated with disease. To our knowledge, no experimental evidence demonstrating an impact on protein function has been reported. No clinical diagnostic laboratories have submitted clinical-significance assessments for this variant to ClinVar after 2014. Based on the evidence outlined above, the variant was classified as VUS-possibly pathogenic.

Literature cited by the submitters: PubMed 27457812 (cited by Women's Health and Genetics/Laboratory Corporation of America, LabCorp).

NM_025074.7(FRAS1):c.1099C>T (p.Arg367Cys)

Gene: FRAS1 (Fraser extracellular matrix complex subunit 1; plus strand). Cytogenetic location: 4q21.21.
Variant type: single nucleotide variant.
Coding change: c.1099C>T on transcript NM_025074.7 (MANE Select); coding-DNA position 1099, C replaced by T.
Protein change: p.Arg367Cys; replaces arginine 367 with cysteine.
Molecular consequence: missense variant.
Genome position (GRCh38, 1-based): chr4:78,281,425, C>T. VCF-style: chr4-78281425-C-T. GRCh37 (hg19) VCF-style: chr4-79202579-C-T.
Other names: c.1099C>T, p.Arg367Cys (NM_001166133.2); short protein forms R367C.
Identifiers: ClinVar variation 1804834 (VCV001804834.2), dbSNP rs761271071, ClinGen allele CA2976173.